The following is an entry in ClinVar:

NM_001256545.2(MEGF10):c.50G>A (p.Cys17Tyr)

Gene: MEGF10 (multiple EGF like domains 10; plus strand). Cytogenetic location: 5q23.2.
Variant type: single nucleotide variant.
Coding change: c.50G>A on transcript NM_001256545.2 (MANE Select); coding-DNA position 50, G replaced by A.
Protein change: p.Cys17Tyr; replaces cysteine 17 with tyrosine.
Molecular consequence: missense variant.
Genome position (GRCh38, 1-based): chr5:127,331,358, G>A. VCF-style: chr5-127331358-G-A. GRCh37 (hg19) VCF-style: chr5-126667050-G-A.
Other names: c.50G>A, p.Cys17Tyr (NM_001308119.2, NM_001308121.2, NM_032446.3); short protein forms C17Y.
Identifiers: ClinVar variation 539961 (VCV000539961.35), dbSNP rs145733370, ClinGen allele CA3391157.

ClinVar aggregate classification (germline): Conflicting classifications of pathogenicity. Review status: criteria provided, conflicting classifications (1 of 4 stars). 5 submissions from 5 submitters: Uncertain significance (4); Likely benign (1). Last evaluated 2024-01-23.

Conditions:
MEGF10-related myopathy (CMYO10A). Also called: Congenital myopathy 10A, severe variant. Identifiers: Orphanet 439212, MedGen C3280679, MONDO:0013731, OMIM 614399.

Allele frequency attached by ClinVar (database versions not stated): ESP Exome Variant Server 0.00008; TOPMed 0.00018; gnomAD exomes 0.00020 and 0.00026; ExAC 0.00021; gnomAD 0.00021 and 0.00023.
gnomAD v4.1: 399 of 1,613,154 alleles (0.025%); highest among the groups gnomAD compares: Non-Finnish European, 0.033%; 1 homozygote.

Submissions (5):

Revvity Omics, Revvity
Classification: Uncertain significance. Last evaluated: 2024-01-23. Review status: criteria provided, single submitter. Criteria: ACMG Guidelines, 2015. Collection method: clinical testing. Allele origin: germline.

CeGaT Center for Human Genetics Tuebingen
Classification: Likely benign. Last evaluated: 2023-09-01. Review status: criteria provided, single submitter. Criteria: CeGaT Center For Human Genetics Tuebingen Variant Classification Criteria Version 2. Collection method: clinical testing. Allele origin: germline. Affected: yes. Observed: 1 variant allele.
Comment: MEGF10: BP4

Labcorp Genetics (formerly Invitae), Labcorp
Classification: Uncertain significance for MEGF10-related myopathy. Last evaluated: 2022-10-18. Review status: criteria provided, single submitter. Criteria: Invitae Variant Classification Sherloc (09022015). Collection method: clinical testing. Allele origin: germline.
Comment: This sequence change replaces cysteine, which is neutral and slightly polar, with tyrosine, which is neutral and polar, at codon 17 of the MEGF10 protein (p.Cys17Tyr). This variant is present in population databases (rs145733370, gnomAD 0.04%). This variant has not been reported in the literature in individuals affected with MEGF10-related conditions. ClinVar contains an entry for this variant (Variation ID: 539961). Algorithms developed to predict the effect of missense changes on protein structure and function output the following: SIFT: "Tolerated"; PolyPhen-2: "Benign"; Align-GVGD: "Class C0". The tyrosine amino acid residue is found in multiple mammalian species, which suggests that this missense change does not adversely affect protein function. In summary, the available evidence is currently insufficient to determine the role of this variant in disease. Therefore, it has been classified as a Variant of Uncertain Significance.

Athena Diagnostics
Classification: Uncertain significance. Last evaluated: 2021-08-13. Review status: criteria provided, single submitter. Criteria: Athena Diagnostics Criteria. Collection method: clinical testing. Allele origin: unknown.

GeneDx
Classification: Uncertain significance. Last evaluated: 2021-03-22. Review status: criteria provided, single submitter. Criteria: GeneDx Variant Classification Process June 2021. Collection method: clinical testing. Allele origin: germline. Affected: yes.
Comment: In silico analysis supports that this missense variant does not alter protein structure/function; Has not been previously published as pathogenic or benign to our knowledge